The following is an entry in ClinVar:

ClinVar aggregate classification (germline): Pathogenic/Likely pathogenic. Review status: criteria provided, multiple submitters, no conflicts (2 of 4 stars). 2 submissions from 2 submitters: Pathogenic (1); Likely pathogenic (1). Last evaluated 2022-05-27.

Conditions:
Specific granule deficiency. Identifiers: Orphanet 169142, MedGen C0398593, MONDO:0009506.

Allele frequency attached by ClinVar (database versions not stated): gnomAD 0.00001; TOPMed 0.00001.
gnomAD v4.1: 13 of 1,612,940 alleles (0.00081%); highest among the groups gnomAD compares: South Asian, 0.0011%; no homozygotes.

Submissions (2):

Labcorp Genetics (formerly Invitae), Labcorp
Classification: Pathogenic for Specific granule deficiency. Last evaluated: 2022-05-27. Review status: criteria provided, single submitter. Criteria: Invitae Variant Classification Sherloc (09022015). Collection method: clinical testing. Allele origin: germline.
Comment: For these reasons, this variant has been classified as Pathogenic. ClinVar contains an entry for this variant (Variation ID: 1324041). This variant has not been reported in the literature in individuals affected with CEBPE-related conditions. This variant is not present in population databases (gnomAD no frequency). This sequence change creates a premature translational stop signal (p.Arg24*) in the CEBPE gene. It is expected to result in an absent or disrupted protein product. Loss-of-function variants in CEBPE are known to be pathogenic (PMID: 11313242, 11435463).

Revvity Omics, Revvity
Classification: Likely pathogenic. Last evaluated: 2021-02-01. Review status: criteria provided, single submitter. Criteria: ACMG Guidelines, 2015. Collection method: clinical testing. Allele origin: germline.

Literature cited by the submitters: PubMed 11313242 (cited by Labcorp Genetics (formerly Invitae), Labcorp); PubMed 11435463 (cited by Labcorp Genetics (formerly Invitae), Labcorp).

NM_001805.4(CEBPE):c.70C>T (p.Arg24Ter)

Gene: CEBPE (CCAAT enhancer binding protein epsilon; minus strand). Cytogenetic location: 14q11.2.
Variant type: single nucleotide variant.
Coding change: c.70C>T on transcript NM_001805.4 (MANE Select); coding-DNA position 70, C replaced by T.
Protein change: p.Arg24Ter; replaces arginine 24 with a stop codon.
Molecular consequence: nonsense.
Genome position (GRCh38, 1-based): chr14:23,119,022, G>A on the plus strand (C>T on the coding strand, the complement: CEBPE is on the minus strand). VCF-style: chr14-23119022-G-A. GRCh37 (hg19) VCF-style: chr14-23588231-G-A.
Other names: short protein forms R24*.
Identifiers: ClinVar variation 1324041 (VCV001324041.8), dbSNP rs1396196056, ClinGen allele CA388954104.